The following is an entry in ClinVar:

ClinVar aggregate classification (germline): Likely benign (1 of 4 stars; one submission).

Submission:

GeneDx
Classification: Likely benign. Last evaluated: 2018-06-18. Review status: criteria provided, single submitter. Criteria: GeneDx Variant Classification (06012015). Collection method: clinical testing. Allele origin: germline. Affected: yes.
Comment: This variant is considered likely benign or benign based on one or more of the following criteria: it is a conservative change, it occurs at a poorly conserved position in the protein, it is predicted to be benign by multiple in silico algorithms, and/or has population frequency not consistent with disease.

NM_182961.4(SYNE1):c.940-227_940-225dup

Gene: SYNE1 (spectrin repeat containing nuclear envelope protein 1; minus strand). Cytogenetic location: 6q25.2.
Variant type: Duplication.
Coding change: c.940-227_940-225dup on transcript NM_182961.4 (MANE Select); 227 bases into the intron before coding-DNA position 940 through 225 bases into the intron before coding-DNA position 940, 3 bases duplicated (AAA; older notation c.940-227_940-225dupAAA).
Molecular consequence: intron variant.
Genome position (GRCh38, 1-based): chr6:152,488,728-152,488,730, TTT duplicated on the plus strand (AAA on the coding strand, the reverse complement: SYNE1 is on the minus strand); duplicating any 3 consecutive bases within chr6:152,488,728-152,488,737 gives the same sequence; the c. name uses the placement nearest the transcript's 3' end. VCF-style (leftmost placement, unchanged base first): chr6-152488727-A-ATTT. GRCh37 (hg19) VCF-style: chr6-152809862-A-ATTT.
Other names: c.961-225_961-224insAAA (NM_033071.3); c.961-227_961-225dup (NM_033071.5).
Identifiers: ClinVar variation 670584 (VCV000670584.1), dbSNP rs34808382, ClinGen allele CA571146959.